The following is an entry in ClinVar:

NM_001130987.2(DYSF):c.5700G>A (p.Leu1900=)

Gene: DYSF (dysferlin; plus strand). Cytogenetic location: 2p13.2.
Variant type: single nucleotide variant.
Coding change: c.5700G>A on transcript NM_001130987.2 (MANE Select); coding-DNA position 5700, G replaced by A.
Protein change: p.Leu1900=; no amino-acid change (leucine 1900 retained).
Molecular consequence: synonymous variant.
Genome position (GRCh38, 1-based): chr2:71,669,662, G>A. VCF-style: chr2-71669662-G-A. GRCh37 (hg19) VCF-style: chr2-71896792-G-A.
Other names: c.5583G>A, p.Leu1861= (NM_003494.4); c.5679G>A, p.Leu1893= (NM_001130982.2); c.5649G>A, p.Leu1883= (NM_001130983.2); c.5607G>A, p.Leu1869= (NM_001130984.2); c.5637G>A, p.Leu1879= (NM_001130985.2); c.5544G>A, p.Leu1848= (NM_001130986.2); c.5586G>A, p.Leu1862= (NM_001130455.2); c.5541G>A, p.Leu1847= (NM_001130976.2); and 5 more.
Identifiers: ClinVar variation 3772264 (VCV003772264.13).

ClinVar aggregate classification (germline): Uncertain significance (1 of 4 stars; one submission).

Submission:

CeGaT Center for Human Genetics Tuebingen
Classification: Uncertain significance. Last evaluated: 2025-01-01. Review status: criteria provided, single submitter. Criteria: CeGaT Center For Human Genetics Tuebingen Variant Classification Criteria Version 2. Collection method: clinical testing. Allele origin: germline. Affected: yes. Observed: 1 variant allele.
Comment: DYSF: PM2:Supporting, PP3